The following is an entry in ClinVar:

NM_001378454.1(ALMS1):c.10797_10800del (p.Glu3600fs)

Gene: ALMS1 (ALMS1 centrosome and basal body associated protein; plus strand). Cytogenetic location: 2p13.1.
Variant type: Microsatellite.
Coding change: c.10797_10800del on transcript NM_001378454.1 (MANE Select); coding-DNA positions 10797 to 10800, 4 bases deleted (TGAA; older notation c.10797_10800delTGAA).
Protein change: p.Glu3600fs; shifts the reading frame from glutamic acid 3600.
Molecular consequence: frameshift variant.
Genome position (GRCh38, 1-based): chr2:73,572,674-73,572,677, TGAA deleted; deleting any 4 consecutive bases within chr2:73,572,670-73,572,677 gives the same sequence; the c. name uses the placement nearest the transcript's 3' end. VCF-style (leftmost placement, unchanged base first): chr2-73572669-TTGAA-T. GRCh37 (hg19) VCF-style: chr2-73799796-TTGAA-T.
Other names: c.10800_10803del, p.Glu3601fs (NM_015120.4); c.10800_10803delTGAA (NM_015120.4); short protein forms E3601fs, E3600fs.
Identifiers: ClinVar variation 553426 (VCV000553426.9), dbSNP rs1553418500, ClinGen allele CA658822831.

ClinVar aggregate classification (germline): Pathogenic. Review status: criteria provided, single submitter (1 of 4 stars). 2 submissions from 2 submitters: Pathogenic (1). 1 of the submissions does not count toward it. Last evaluated 2019-11-28.

Conditions:
Alstrom syndrome (ALMS). Identifiers: Orphanet 64, MedGen C0268425, MONDO:0008763, OMIM 203800.

Submissions (2):

Labcorp Genetics (formerly Invitae), Labcorp
Classification: Pathogenic for Alstrom syndrome. Last evaluated: 2019-11-28. Review status: criteria provided, single submitter. Criteria: Invitae Variant Classification Sherloc (09022015). Collection method: clinical testing. Allele origin: germline.
Comment: This variant is not present in population databases (ExAC no frequency). This sequence change creates a premature translational stop signal (p.Glu3601Cysfs*60) in the ALMS1 gene. It is expected to result in an absent or disrupted protein product. This variant has not been reported in the literature in individuals with ALMS1-related conditions. ClinVar contains an entry for this variant (Variation ID: 553426). For these reasons, this variant has been classified as Pathogenic. Loss-of-function variants in ALMS1 are known to be pathogenic (PMID: 17594715).

Counsyl
Classification: Likely pathogenic for Alstrom syndrome. Last evaluated: 2017-08-18. Review status: no assertion criteria provided. Collection method: clinical testing. Allele origin: unknown. Not counted in ClinVar's aggregate classification.

Literature cited by the submitters: PubMed 17594715 (cited by Labcorp Genetics (formerly Invitae), Labcorp).